The following is an entry in ClinVar:

ClinVar aggregate classification (germline): Uncertain significance (1 of 4 stars; one submission).

Conditions:
Koolen-de Vries syndrome (KDVS). Identifiers: Orphanet 96169, MedGen C1864871, MONDO:0012496, OMIM 610443.

Submission:

Laboratorio de Genetica e Diagnostico Molecular, Hospital Israelita Albert Einstein
Classification: Uncertain significance for Koolen-de Vries syndrome. Last evaluated: 2025-05-19. Review status: criteria provided, single submitter. Criteria: ACMG Guidelines, 2015. Collection method: clinical testing. Allele origin: germline. Affected: yes.
Comment: ACMG classification criteria: PM2 supporting, BP4 supporting

NM_015443.4(KANSL1):c.1876G>C (p.Gly626Arg)

Gene: KANSL1 (KAT8 regulatory NSL complex subunit 1). Cytogenetic location: 17q21.31.
Variant type: single nucleotide variant.
Coding change: c.1876G>C on transcript NM_015443.4 (MANE Select); coding-DNA position 1876, G replaced by C.
Protein change: p.Gly626Arg; replaces glycine 626 with arginine.
Molecular consequence: missense variant.
Genome position (GRCh38, 1-based): chr17:46,050,677, C>G on the plus strand (G>C on the coding strand, the complement: KANSL1 is on the minus strand). VCF-style: chr17-46050677-C-G. GRCh37 (hg19) VCF-style: chr17-44128043-C-G.
Other names: c.1876G>C, p.Gly626Arg (NM_001193465.2, NM_001193466.2, NM_001379198.1 and 14 more transcripts); c.1774G>C, p.Gly592Arg (NM_001405859.1, NM_001405860.1, NM_001405861.1 and 1 more transcripts); c.610G>C, p.Gly204Arg (NM_001405882.1, NM_001405883.1, NM_001405884.1 and 1 more transcripts); short protein forms G204R, G592R, G626R.
Identifiers: ClinVar variation 4056514 (VCV004056514.1).
Genomic context (GRCh38, chr17:46,050,677, plus strand): 5'-GAGGCATGGTGTTGATGCTGCCTGAACCACACAGTGCGCAGGAGGGATTCACATCACAGC[C>G]AGGGCGGATTGTGCTGTTCCGGTGAACCTGTGAAAAAAGCCAAACAAAACTGACAATTCA-3'
Protein context (NP_056258.1, residues 616-636): KVHRNSTIRP[Gly626Arg]CDVNPSCALC